The following is an entry in ClinVar:

ClinVar aggregate classification (germline): Uncertain significance (1 of 4 stars; one submission).

Submission:

Labcorp Genetics (formerly Invitae), Labcorp
Classification: Uncertain significance. Last evaluated: 2020-05-10. Review status: criteria provided, single submitter. Criteria: Invitae Variant Classification Sherloc (09022015). Collection method: clinical testing. Allele origin: germline.
Comment: In summary, the available evidence is currently insufficient to determine the role of this variant in disease. Therefore, it has been classified as a Variant of Uncertain Significance. Algorithms developed to predict the effect of missense changes on protein structure and function (SIFT, PolyPhen-2, Align-GVGD) all suggest that this variant is likely to be tolerated, but these predictions have not been confirmed by published functional studies and their clinical significance is uncertain. This variant has not been reported in the literature in individuals with POLE-related conditions. This variant is not present in population databases (ExAC no frequency). This sequence change replaces phenylalanine with leucine at codon 1792 of the POLE protein (p.Phe1792Leu). The phenylalanine residue is moderately conserved and there is a small physicochemical difference between phenylalanine and leucine.

NM_006231.4(POLE):c.5376C>A (p.Phe1792Leu)

Gene: POLE (DNA polymerase epsilon, catalytic subunit; minus strand). Cytogenetic location: 12q24.33.
Variant type: single nucleotide variant.
Coding change: c.5376C>A on transcript NM_006231.4 (MANE Select); coding-DNA position 5376, C replaced by A.
Protein change: p.Phe1792Leu; replaces phenylalanine 1792 with leucine.
Molecular consequence: missense variant.
Genome position (GRCh38, 1-based): chr12:132,641,649, G>T on the plus strand (C>A on the coding strand, the complement: POLE is on the minus strand). VCF-style: chr12-132641649-G-T. GRCh37 (hg19) VCF-style: chr12-133218235-G-T.
Other names: short protein forms F1792L.
Identifiers: ClinVar variation 1019284 (VCV001019284.8), dbSNP rs1555222243, ClinGen allele CA387375650.